The following is an entry in ClinVar:

NM_004336.5(BUB1):c.2254T>C (p.Ser752Pro)

Gene: BUB1 (BUB1 mitotic checkpoint serine/threonine kinase; minus strand). Cytogenetic location: 2q13.
Variant type: single nucleotide variant.
Coding change: c.2254T>C on transcript NM_004336.5 (MANE Select); coding-DNA position 2254, T replaced by C.
Protein change: p.Ser752Pro; replaces serine 752 with proline.
Molecular consequence: missense variant.
Genome position (GRCh38, 1-based): chr2:110,649,327, A>G on the plus strand (T>C on the coding strand, the complement: BUB1 is on the minus strand). VCF-style: chr2-110649327-A-G. GRCh37 (hg19) VCF-style: chr2-111406904-A-G.
Other names: c.2194T>C, p.Ser732Pro (NM_001278616.2); c.2254T>C, p.Ser752Pro (NM_001278617.2); short protein forms S732P, S752P.
Identifiers: ClinVar variation 1788498 (VCV001788498.5), dbSNP rs770939889, ClinGen allele CA1827831.

ClinVar aggregate classification (germline): Uncertain significance. Review status: criteria provided, multiple submitters, no conflicts (2 of 4 stars). 2 submissions from 2 submitters: Uncertain significance (2). Last evaluated 2025-04-06.

Allele frequency attached by ClinVar (database versions not stated): ExAC 0.00001; TOPMed 0.00003; gnomAD 0.00005; gnomAD exomes 0.00007.
gnomAD v4.1: 100 of 1,611,182 alleles (0.0062%); highest among the groups gnomAD compares: Non-Finnish European, 0.0081%; no homozygotes.

Submissions (2):

Labcorp Genetics (formerly Invitae), Labcorp
Classification: Uncertain significance. Last evaluated: 2025-04-06. Review status: criteria provided, single submitter. Criteria: Invitae Variant Classification Sherloc (09022015). Collection method: clinical testing. Allele origin: germline.
Comment: This sequence change replaces serine, which is neutral and polar, with proline, which is neutral and non-polar, at codon 752 of the BUB1 protein (p.Ser752Pro). This variant is present in population databases (rs770939889, gnomAD 0.002%). This variant has not been reported in the literature in individuals affected with BUB1-related conditions. ClinVar contains an entry for this variant (Variation ID: 1788498). Experimental studies and prediction algorithms are not available or were not evaluated, and the functional significance of this variant is currently unknown. In summary, the available evidence is currently insufficient to determine the role of this variant in disease. Therefore, it has been classified as a Variant of Uncertain Significance.

Ambry Genetics
Classification: Uncertain significance. Last evaluated: 2024-10-14. Review status: criteria provided, single submitter. Criteria: Ambry Variant Classification Scheme 2023. Collection method: clinical testing. Allele origin: germline.
Comment: The p.S752P variant (also known as c.2254T>C), located in coding exon 19 of the BUB1 gene, results from a T to C substitution at nucleotide position 2254. The serine at codon 752 is replaced by proline, an amino acid with similar properties. This amino acid position is conserved. In addition, the in silico prediction for this alteration is inconclusive. Since supporting evidence is limited at this time, the clinical significance of this alteration remains unclear.